The following is an entry in ClinVar:

NM_024876.4(COQ8B):c.1209G>A (p.Glu403=)

Gene: COQ8B (coenzyme Q8B; minus strand). Cytogenetic location: 19q13.2.
Variant type: single nucleotide variant.
Coding change: c.1209G>A on transcript NM_024876.4 (MANE Select); coding-DNA position 1209, G replaced by A.
Protein change: p.Glu403=; no amino-acid change (glutamic acid 403 retained).
Molecular consequence: synonymous variant.
Genome position (GRCh38, 1-based): chr19:40,695,989, C>T on the plus strand (G>A on the coding strand, the complement: COQ8B is on the minus strand). VCF-style: chr19-40695989-C-T. GRCh37 (hg19) VCF-style: chr19-41201894-C-T.
Other names: c.1086G>A, p.Glu362= (NM_001142555.3).
Identifiers: ClinVar variation 392646 (VCV000392646.2), dbSNP rs148712761, ClinGen allele CA9450117.
Genomic context (GRCh38, chr19:40,695,989, plus strand): 5'-CCTCAGTATATGGCTTGAGCCTCAGCCTTTCAGAGGCCCTGGGGTCTGGGGGAGACTCAC[C>T]TCGATGTAATGGTCTGTGAACTCTGTCCCAAACTCCCGGCTTGCACCAAAGTCCAGCAGG-3'
Protein context (NP_079152.3, residues 393-413): FGTEFTDHYI[Glu403=]VVKAAADGDR

ClinVar aggregate classification (germline): Uncertain significance (1 of 4 stars; one submission).

Allele frequency attached by ClinVar (database versions not stated): gnomAD exomes 0.00005 and 0.00013; ExAC 0.00021; 1000 Genomes Project 30x 0.00031; gnomAD 0.00038 and 0.00042; 1000 Genomes Project 0.00040; TOPMed 0.00050; ESP Exome Variant Server 0.00069.
gnomAD v4.1: 131 of 1,614,170 alleles (0.0081%); highest among the groups gnomAD compares: African/African-American, 0.14%; no homozygotes.

Submission:

GeneDx
Classification: Uncertain significance. Last evaluated: 2018-08-01. Review status: criteria provided, single submitter. Criteria: GeneDx Variant Classification (06012015). Collection method: clinical testing. Allele origin: germline. Affected: yes.
Comment: The c.1209 G>A variant in the ADCK4 gene has not been reported previously as a pathogenic variant, nor as a benign variant, to our knowledge. The c.1209 G>A variant was not observed with any significant frequency in approximately 6500 individuals of European and African American ancestry in the NHLBI Exome Sequencing Project, indicating it is not a common benign variant in these populations. The c.1209 G>A variant is a synonymous amino acid substitution, that occurs at a position that is conserved across species. In silico analysis predicts this variant likely does not alter the protein structure/function. We interpret c.1209 G>A as a variant of uncertain significance.